The following is an entry in ClinVar:

NM_001385012.1(NBEA):c.6891C>G (p.Phe2297Leu)

Gene: NBEA (neurobeachin; plus strand). Cytogenetic location: 13q13.3.
Variant type: single nucleotide variant.
Coding change: c.6891C>G on transcript NM_001385012.1 (MANE Select); coding-DNA position 6891, C replaced by G.
Protein change: p.Phe2297Leu; replaces phenylalanine 2297 with leucine.
Molecular consequence: missense variant.
Genome position (GRCh38, 1-based): chr13:35,555,071, C>G. VCF-style: chr13-35555071-C-G. GRCh37 (hg19) VCF-style: chr13-36129208-C-G.
Other names: c.270C>G, p.Phe90Leu (NM_001204197.3); c.6882C>G, p.Phe2294Leu (NM_001379245.1); c.6891C>G, p.Phe2297Leu (NM_015678.5); short protein forms F2294L, F2297L, F90L.
Identifiers: ClinVar variation 2663118 (VCV002663118.1), dbSNP rs748187313, ClinGen allele CA387987516.

ClinVar aggregate classification (germline): Uncertain significance (1 of 4 stars; one submission).

Submission:

GeneDx
Classification: Uncertain significance. Last evaluated: 2023-04-02. Review status: criteria provided, single submitter. Criteria: GeneDx Variant Classification Process June 2021. Collection method: clinical testing. Allele origin: germline. Affected: yes.
Comment: Not observed at significant frequency in large population cohorts (gnomAD); In silico analysis supports that this missense variant has a deleterious effect on protein structure/function; Has not been previously published as pathogenic or benign to our knowledge